The following is an entry in ClinVar:

NM_000551.4(VHL):c.539T>G (p.Ile180Ser)

Genes: VHL (von Hippel-Lindau tumor suppressor; plus strand), LOC107303340 (3p25 von Hippel-Lindau tumor suppressor, E3 ubiquitin protein ligase Alu-mediated recombination region; plus strand). Cytogenetic location: 3p25.3.
Variant type: single nucleotide variant.
Coding change: c.539T>G on transcript NM_000551.4 (MANE Select); coding-DNA position 539, T replaced by G.
Protein change: p.Ile180Ser; replaces isoleucine 180 with serine.
Molecular consequence: missense variant. On other transcripts: 3 prime UTR variant (1).
Genome position (GRCh38, 1-based): chr3:10,149,862, T>G. VCF-style: chr3-10149862-T-G. GRCh37 (hg19) VCF-style: chr3-10191546-T-G.
Other names: c.*93T>G (NM_001354723.2); c.416T>G, p.Ile139Ser (NM_198156.3); short protein forms I180S, I139S.
Identifiers: ClinVar variation 625262 (VCV000625262.5), dbSNP rs1559429750, ClinGen allele CA351756282.

ClinVar aggregate classification (germline): Conflicting classifications of pathogenicity. Review status: criteria provided, conflicting classifications (1 of 4 stars). 3 submissions from 3 submitters: Likely pathogenic (1); Uncertain significance (2). Last evaluated 2026-02-05.

Conditions:
Hereditary cancer-predisposing syndrome. Also called: Neoplastic Syndromes, Hereditary; Hereditary neoplastic syndrome; Tumor predisposition; Hereditary Cancer Syndrome. Identifiers: Orphanet 140162, MedGen C0027672, MeSH D009386, MONDO:0015356.
Von Hippel-Lindau syndrome (VHLS). Also called: von Hippel–Lindau syndrome; Von Hippel-Lindau; VHL syndrome. Identifiers: Orphanet 892, MedGen C0019562, MONDO:0008667, OMIM 193300. Disease mechanism: loss of function.

Submissions (3):

Ambry Genetics
Classification: Likely pathogenic for Hereditary cancer-predisposing syndrome. Last evaluated: 2026-02-05. Review status: criteria provided, single submitter. Criteria: Ambry Variant Classification Scheme 2023. Collection method: clinical testing. Allele origin: germline.
Comment: The p.I180S variant (also known as c.539T>G), located in coding exon 3 of the VHL gene, results from a T to G substitution at nucleotide position 539. The isoleucine at codon 180 is replaced by serine, an amino acid with dissimilar properties. This variant was reported in individuals with features consistent with von Hippel-Lindau syndrome (external communication; Ambry internal data). This variant was determined to be functionally indeterminant in one saturation genome editing assay (Buckley M et al. Nat Genet, 2024 Jul;56:1446-1455). This amino acid position is completely conserved on sequence alignment. In addition, this alteration is predicted to be deleterious by in silico analysis. Based on the majority of available evidence to date, this variant is likely to be pathogenic.

Women's Health and Genetics/Laboratory Corporation of America, LabCorp
Classification: Uncertain significance. Last evaluated: 2020-12-10. Review status: criteria provided, single submitter. Criteria: LabCorp Variant Classification Summary - May 2015. Collection method: clinical testing. Allele origin: germline.
Comment: Variant summary: VHL c.539T>G (p.Ile180Ser) results in a non-conservative amino acid change located in the beta/alpha domain of the encoded protein sequence. Five of five in-silico tools predict a damaging effect of the variant on protein function. The variant was absent in 251422 control chromosomes. The available data on variant occurrences in the general population are insufficient to allow any conclusion about variant significance. To our knowledge, no occurrence of c.539T>G in individuals affected with Von Hippel-Lindau Syndrome and no experimental evidence demonstrating its impact on protein function have been reported. One other clinical diagnostic laboratory has submitted clinical-significance assessments for this variant to ClinVar after 2014 without evidence for independent evaluation. One laboratory cited the variant as uncertain significance. Based on the evidence outlined above, the variant was classified as uncertain significance.

Genomic Diagnostic Laboratory, Division of Genomic Diagnostics, Children's Hospital of Philadelphia
Classification: Uncertain significance for von Hippel-Lindau syndrome. Last evaluated: 2018-08-01. Review status: criteria provided, single submitter. Criteria: DGD Variant Analysis Guidelines. Collection method: clinical testing. Allele origin: germline. Affected: yes. Observed: 1 variant allele.

Literature cited by the submitters: PubMed 38969834 (cited by Ambry Genetics).